The following is an entry in ClinVar:

ClinVar aggregate classification (germline): Uncertain significance. Review status: criteria provided, single submitter (1 of 4 stars). 2 submissions from 2 submitters: Uncertain significance (1). 1 of the submissions does not count toward it. Last evaluated 2023-08-10.

Conditions:
ARID1B-Related Disorder. Identifiers: MedGen CN381337.

Submissions (2):

Labcorp Genetics (formerly Invitae), Labcorp
Classification: Uncertain significance. Last evaluated: 2023-08-10. Review status: criteria provided, single submitter. Criteria: Invitae Variant Classification Sherloc (09022015). Collection method: clinical testing. Allele origin: germline.
Comment: In summary, the available evidence is currently insufficient to determine the role of this variant in disease. Therefore, it has been classified as a Variant of Uncertain Significance. Experimental studies and prediction algorithms are not available or were not evaluated, and the functional significance of this variant is currently unknown. ClinVar contains an entry for this variant (Variation ID: 1951532). This variant has not been reported in the literature in individuals affected with ARID1B-related conditions. This variant is not present in population databases (gnomAD no frequency). This variant, c.261_287del, results in the deletion of 9 amino acid(s) of the ARID1B protein (p.His88_His96del), but otherwise preserves the integrity of the reading frame.

PreventionGenetics, part of Exact Sciences
Classification: Uncertain significance for ARID1B-related condition. Last evaluated: 2024-04-05. Review status: no assertion criteria provided. Collection method: clinical testing. Allele origin: germline. Not counted in ClinVar's aggregate classification.
Comment: The ARID1B c.261_287del27 variant is predicted to result in an in-frame deletion (p.His88_His96del). To our knowledge, this variant has not been reported in the literature or in a large population database, indicating this variant is rare. At this time, the clinical significance of this variant is uncertain due to the absence of conclusive functional and genetic evidence.

NM_001374828.1(ARID1B):c.510_536del (p.His171_His179del)

Genes: ARID1B (AT-rich interaction domain 1B; plus strand), LOC115308161 (uncharacterized LOC115308161; minus strand). Cytogenetic location: 6q25.3.
Variant type: Deletion.
Coding change: c.510_536del on transcript NM_001374828.1 (MANE Select); coding-DNA positions 510 to 536, 27 bases deleted (CCACCATGCCCACCACCACCACCACCA).
Protein change: p.His171_His179del.
Molecular consequence: inframe deletion. On other transcripts: inframe indel (3).
Genome position (GRCh38, 1-based): chr6:156,778,190-156,778,216, CCACCATGCCCACCACCACCACCACCA deleted; deleting any 27 consecutive bases within chr6:156,778,179-156,778,216 gives the same sequence; the c. name uses the placement nearest the transcript's 3' end. VCF-style (leftmost placement, unchanged base first): chr6-156778178-GCACCACCACCACCACCATGCCCACCAC-G. GRCh37 (hg19) VCF-style: chr6-157099312-GCACCACCACCACCACCATGCCCACCAC-G.
Other names: c.261_287del27, p.His88_His96del (NM_001346813.1, NM_020732.3); c.510_536del, p.His171_His179del (NM_001371656.1, NM_001374820.1, NM_017519.3); c.87_113del27, p.His30_His38del (NM_175863.2).
Identifiers: ClinVar variation 1951532 (VCV001951532.6), dbSNP rs1234893556, ClinGen allele CA821295393.
Genomic context (GRCh38, chr6:156,778,178, plus strand): 5'-GCTCCCCAACCACAAACTGAAAACCGTTGGCGAAGCCCCCGCCGCGCCGCCCCACCAGCA[GCACCACCACCACCACCATGCCCACCAC>G]CACCACCACCATGCCCACCACCTCCACCACCACCACGCACTACAGCAGCAGCTAAACCAG-3'